The following is an entry in ClinVar:

ClinVar aggregate classification (germline): Uncertain significance (1 of 4 stars; one submission).

gnomAD v4.1: 1 of 1,614,068 alleles (0.000062%); highest among the groups gnomAD compares: Non-Finnish European, 0.000085%; no homozygotes.

Submission:

Labcorp Genetics (formerly Invitae), Labcorp
Classification: Uncertain significance. Last evaluated: 2023-01-24. Review status: criteria provided, single submitter. Criteria: Invitae Variant Classification Sherloc (09022015). Collection method: clinical testing. Allele origin: germline.
Comment: This variant has not been reported in the literature in individuals affected with CTR9-related conditions. This variant is not present in population databases (gnomAD no frequency). This sequence change replaces valine, which is neutral and non-polar, with leucine, which is neutral and non-polar, at codon 209 of the CTR9 protein (p.Val209Leu). Algorithms developed to predict the effect of missense changes on protein structure and function (SIFT, PolyPhen-2, Align-GVGD) all suggest that this variant is likely to be tolerated. In summary, the available evidence is currently insufficient to determine the role of this variant in disease. Therefore, it has been classified as a Variant of Uncertain Significance.

NM_014633.5(CTR9):c.625G>T (p.Val209Leu)

Gene: CTR9 (CTR9 component of Paf1/RNA polymerase II complex; plus strand). Cytogenetic location: 11p15.4.
Variant type: single nucleotide variant.
Coding change: c.625G>T on transcript NM_014633.5 (MANE Select); coding-DNA position 625, G replaced by T.
Protein change: p.Val209Leu; replaces valine 209 with leucine.
Molecular consequence: missense variant.
Genome position (GRCh38, 1-based): chr11:10,760,205, G>T. VCF-style: chr11-10760205-G-T. GRCh37 (hg19) VCF-style: chr11-10781752-G-T.
Other names: c.625G>T, p.Val209Leu (NM_001346279.2); short protein forms V209L.
Identifiers: ClinVar variation 2973210 (VCV002973210.3), dbSNP rs1268639575, ClinGen allele CA379662454.